The following is an entry in ClinVar:

NM_001378120.1(MBD5):c.1851T>C (p.His617=)

Gene: MBD5 (methyl-CpG binding domain protein 5; plus strand). Cytogenetic location: 2q23.1.
Variant type: single nucleotide variant.
Coding change: c.1851T>C on transcript NM_001378120.1 (MANE Select); coding-DNA position 1851, T replaced by C.
Protein change: p.His617=; no amino-acid change (histidine 617 retained).
Molecular consequence: synonymous variant.
Genome position (GRCh38, 1-based): chr2:148,469,794, T>C. VCF-style: chr2-148469794-T-C. GRCh37 (hg19) VCF-style: chr2-149227363-T-C.
Other names: c.1851T>C, p.His617= (NM_018328.5).
Identifiers: ClinVar variation 1676459 (VCV001676459.3), dbSNP rs372533114, ClinGen allele CA1900068.

ClinVar aggregate classification (germline): Uncertain significance (1 of 4 stars; one submission).

Submission:

Greenwood Genetic Center Diagnostic Laboratories, Greenwood Genetic Center
Classification: Uncertain significance. Last evaluated: 2022-03-01. Review status: criteria provided, single submitter. Criteria: ACMG Guidelines, 2015. Collection method: clinical testing. Allele origin: germline. Affected: yes.
Comment: PM2